The following is an entry in ClinVar:

NM_006231.4(POLE):c.507G>T (p.Glu169Asp)

Gene: POLE (DNA polymerase epsilon, catalytic subunit; minus strand). Cytogenetic location: 12q24.33.
Variant type: single nucleotide variant.
Coding change: c.507G>T on transcript NM_006231.4 (MANE Select); coding-DNA position 507, G replaced by T.
Protein change: p.Glu169Asp; replaces glutamic acid 169 with aspartic acid.
Molecular consequence: missense variant.
Genome position (GRCh38, 1-based): chr12:132,679,568, C>A on the plus strand (G>T on the coding strand, the complement: POLE is on the minus strand). VCF-style: chr12-132679568-C-A. GRCh37 (hg19) VCF-style: chr12-133256154-C-A.
Other names: short protein forms E169D.
Identifiers: ClinVar variation 3711968 (VCV003711968.2).
Genomic context (GRCh38, chr12:132,679,568, plus strand): 5'-AGCTGTGTACGCGTCGCTGGCGTGATCCTGCTCCCTGTTCTTCTTCACGGCAGGGGAGAT[C>A]TCCTTCCTCACTTTGACAAGATCCTCCACAGTGTGGAAGGACAGCCTGATGTAATTTCGC-3'
Protein context (NP_006222.2, residues 159-179): TVEDLVKVRK[Glu169Asp]ISPAVKKNRE

ClinVar aggregate classification (germline): Uncertain significance (1 of 4 stars; one submission).

Submission:

Labcorp Genetics (formerly Invitae), Labcorp
Classification: Uncertain significance. Last evaluated: 2024-04-06. Review status: criteria provided, single submitter. Criteria: Invitae Variant Classification Sherloc (09022015). Collection method: clinical testing. Allele origin: germline.
Comment: This sequence change replaces glutamic acid, which is acidic and polar, with aspartic acid, which is acidic and polar, at codon 169 of the POLE protein (p.Glu169Asp). This variant is not present in population databases (gnomAD no frequency). This variant has not been reported in the literature in individuals affected with POLE-related conditions. Advanced modeling of protein sequence and biophysical properties (such as structural, functional, and spatial information, amino acid conservation, physicochemical variation, residue mobility, and thermodynamic stability) performed at Invitae indicates that this missense variant is not expected to disrupt POLE protein function with a negative predictive value of 80%. In summary, the available evidence is currently insufficient to determine the role of this variant in disease. Therefore, it has been classified as a Variant of Uncertain Significance.